The following is an entry in ClinVar:

NM_006514.4(SCN10A):c.4009T>A (p.Ser1337Thr)

Gene: SCN10A (sodium voltage-gated channel alpha subunit 10; minus strand). Cytogenetic location: 3p22.2.
Variant type: single nucleotide variant.
Coding change: c.4009T>A on transcript NM_006514.4 (MANE Select); coding-DNA position 4009, T replaced by A.
Protein change: p.Ser1337Thr; replaces serine 1337 with threonine.
Molecular consequence: missense variant.
Genome position (GRCh38, 1-based): chr3:38,712,241, A>T on the plus strand (T>A on the coding strand, the complement: SCN10A is on the minus strand). VCF-style: chr3-38712241-A-T. GRCh37 (hg19) VCF-style: chr3-38753732-A-T.
Other names: p.Ser1337Thr; c.4006T>A, p.Ser1336Thr (NM_001293306.2); c.3715T>A, p.Ser1239Thr (NM_001293307.2); short protein forms S1337T, S1336T, S1239T.
Identifiers: ClinVar variation 235224 (VCV000235224.55), dbSNP rs11711062, ClinGen allele CA2320055.

ClinVar aggregate classification (germline): Benign/Likely benign. Review status: criteria provided, multiple submitters, no conflicts (2 of 4 stars). 13 submissions from 13 submitters: Benign (6); Likely benign (4). 3 of the submissions do not count toward it. Last evaluated 2026-09-17.

Conditions:
SCN10A-related disorder. Also called: SCN10A-related condition.
Cardiovascular phenotype. Identifiers: MedGen CN230736.
Brugada syndrome. Also called: Sudden unexpected nocturnal death syndrome; Sudden unexplained nocturnal death syndrome; Sudden Unexplained Death Syndrome; Sudden Unexplained Nocturnal Death Syndrome (SUNDS). Identifiers: Orphanet 130, MedGen C1142166, MONDO:0015263.

Allele frequency attached by ClinVar (database versions not stated): 1000 Genomes Project 0.00120; 1000 Genomes Project 30x 0.00156; gnomAD 0.00439 and 0.00451; ExAC 0.00447; ESP Exome Variant Server 0.00454; gnomAD exomes 0.00459; TOPMed 0.00496.
gnomAD v4.1: 8,683 of 1,614,206 alleles (0.54%); highest among the groups gnomAD compares: Middle Eastern, 2.3%; 46 homozygotes.

Submissions (13):

PreventionGenetics, part of Exact Sciences
Classification: Benign for SCN10A-related condition. Last evaluated: 2026-09-17. Review status: criteria provided, single submitter. Criteria: ACMG Guidelines, 2015. Collection method: clinical testing. Allele origin: germline.
Comment: This variant is classified as benign based on ACMG/AMP sequence variant interpretation guidelines (Richards et al. 2015 PMID: 25741868, with internal and published modifications).

CeGaT Center for Human Genetics Tuebingen
Classification: Likely benign. Last evaluated: 2026-08-01. Review status: criteria provided, single submitter. Criteria: CeGaT Center For Human Genetics Tuebingen Variant Classification Criteria Version 2. Collection method: clinical testing. Allele origin: germline. Affected: yes. Observed: 29 variant alleles.
Comment: SCN10A: BP4, BS2

Labcorp Genetics (formerly Invitae), Labcorp
Classification: Benign for Brugada syndrome. Last evaluated: 2026-02-01. Review status: criteria provided, single submitter. Criteria: Invitae Variant Classification Sherloc (09022015). Collection method: clinical testing. Allele origin: germline.

Blueprint Genetics
Classification: Likely benign. Last evaluated: 2024-11-25. Review status: criteria provided, single submitter. Criteria: ACMG Guidelines, 2015. Collection method: clinical testing. Allele origin: germline.

Women's Health and Genetics/Laboratory Corporation of America, LabCorp
Classification: Likely benign. Last evaluated: 2024-08-27. Review status: criteria provided, single submitter. Criteria: LabCorp Variant Classification Summary - May 2015. Collection method: clinical testing. Allele origin: germline.

Mayo Clinic Laboratories, Mayo Clinic
Classification: Benign. Last evaluated: 2019-10-30. Review status: criteria provided, single submitter. Criteria: ACMG Guidelines, 2015. Collection method: clinical testing. Allele origin: germline. Observed: 19 variant alleles.

Ambry Genetics
Classification: Likely benign for Cardiovascular phenotype. Last evaluated: 2019-01-09. Review status: criteria provided, single submitter. Criteria: Ambry Variant Classification Scheme 2023. Collection method: clinical testing. Allele origin: germline.

GeneDx
Classification: Benign. Last evaluated: 2016-12-21. Review status: criteria provided, single submitter. Criteria: GeneDx Variant Classification (06012015). Collection method: clinical testing. Allele origin: germline. Affected: yes.
Comment: This variant is considered likely benign or benign based on one or more of the following criteria: it is a conservative change, it occurs at a poorly conserved position in the protein, it is predicted to be benign by multiple in silico algorithms, and/or has population frequency not consistent with disease.

Center for Pediatric Genomic Medicine, Children's Mercy Hospital and Clinics
Classification: Benign. Last evaluated: 2016-04-01. Review status: criteria provided, single submitter. Criteria: ACMG Guidelines, 2015. Collection method: clinical testing. Allele origin: germline.

Breakthrough Genomics
Classification: Benign. Review status: criteria provided, single submitter. Criteria: ACMG Guidelines, 2015. Collection method: not provided. Allele origin: germline. Inheritance: Autosomal dominant inheritance. Affected: yes.

Clinical Genetics DNA and cytogenetics Diagnostics Lab, Erasmus MC, Erasmus Medical Center
Classification: Likely benign. Review status: no assertion criteria provided. Collection method: clinical testing. Allele origin: germline. Affected: yes. Study: VKGL Data-share Consensus. Not counted in ClinVar's aggregate classification.

Clinical Genetics, Academic Medical Center
Classification: Benign. Review status: no assertion criteria provided. Collection method: clinical testing. Allele origin: germline. Affected: yes. Study: VKGL Data-share Consensus. Not counted in ClinVar's aggregate classification.

Joint Genome Diagnostic Labs from Nijmegen and Maastricht, Radboudumc and MUMC+
Classification: Likely benign. Review status: no assertion criteria provided. Collection method: clinical testing. Allele origin: germline. Affected: yes. Study: VKGL Data-share Consensus. Not counted in ClinVar's aggregate classification.